The following is an entry in ClinVar:

ClinVar aggregate classification (germline): Conflicting classifications of pathogenicity. Review status: criteria provided, conflicting classifications (1 of 4 stars). 2 submissions from 2 submitters: Uncertain significance (1); Likely benign (1). Last evaluated 2026-04-14.

Conditions:
Familial intrahepatic cholestasis. Identifiers: Orphanet 284385, MedGen CN296401, MONDO:0017290.

Allele frequency attached by ClinVar (database versions not stated): gnomAD exomes 0.00002; gnomAD 0.00005; ExAC 0.00006.
gnomAD v4.1: 46 of 1,613,974 alleles (0.0029%); highest among the groups gnomAD compares: Middle Eastern, 0.033%; no homozygotes.

Submissions (2):

Genomenon, Inc
Classification: Uncertain significance for Familial intrahepatic cholestasis. Last evaluated: 2026-04-14. Review status: criteria provided, single submitter. Criteria: Genomenon Sequence Variant Interpretation Standards - Updated. Collection method: curation. Allele origin: germline. Affected: no.
Comment: ABCB4 c.2136C>T is a synonymous variant that retains Valine at residue 712. This variant has been reported in the published literature (PMID:28733223). It is absent or not present at a significant frequency in gnomAD. In conclusion, we classify ABCB4 p.Val712= (c.2136C>T) as a variant of uncertain significance.

Labcorp Genetics (formerly Invitae), Labcorp
Classification: Likely benign. Last evaluated: 2026-01-18. Review status: criteria provided, single submitter. Criteria: Invitae Variant Classification Sherloc (09022015). Collection method: clinical testing. Allele origin: germline.

Literature cited by the submitters: PubMed 28733223 (cited by Genomenon, Inc).

NM_000443.4(ABCB4):c.2136C>T (p.Val712=)

Gene: ABCB4 (ATP binding cassette subfamily B member 4; minus strand). Cytogenetic location: 7q21.12.
Variant type: single nucleotide variant.
Coding change: c.2136C>T on transcript NM_000443.4 (MANE Select); coding-DNA position 2136, C replaced by T.
Protein change: p.Val712=; no amino-acid change (valine 712 retained).
Molecular consequence: synonymous variant.
Genome position (GRCh38, 1-based): chr7:87,423,981, G>A on the plus strand (C>T on the coding strand, the complement: ABCB4 is on the minus strand). VCF-style: chr7-87423981-G-A. GRCh37 (hg19) VCF-style: chr7-87053297-G-A.
Other names: c.2136C>T, p.Val712= (NM_018849.3, NM_018850.3).
Identifiers: ClinVar variation 3023829 (VCV003023829.4), dbSNP rs778345147, ClinGen allele CA4327115.